The following is an entry in ClinVar:

ClinVar aggregate classification (germline): Uncertain significance (1 of 4 stars; one submission).

Conditions:
Charcot-Marie-Tooth disease type 2. Also called: Charcot-Marie-Tooth type 2. Identifiers: Orphanet 64746, MedGen C0270914, MONDO:0018993.

Submission:

Labcorp Genetics (formerly Invitae), Labcorp
Classification: Uncertain significance for Charcot-Marie-Tooth disease type 2. Last evaluated: 2024-10-17. Review status: criteria provided, single submitter. Criteria: Invitae Variant Classification Sherloc (09022015). Collection method: clinical testing. Allele origin: germline.
Comment: This sequence change replaces cysteine, which is neutral and slightly polar, with arginine, which is basic and polar, at codon 348 of the MFN2 protein (p.Cys348Arg). This variant is not present in population databases (gnomAD no frequency). This variant has not been reported in the literature in individuals affected with MFN2-related conditions. ClinVar contains an entry for this variant (Variation ID: 971574). Invitae Evidence Modeling of protein sequence and biophysical properties (such as structural, functional, and spatial information, amino acid conservation, physicochemical variation, residue mobility, and thermodynamic stability) has been performed for this missense variant. However, the output from this modeling did not meet the statistical confidence thresholds required to predict the impact of this variant on MFN2 protein function. In summary, the available evidence is currently insufficient to determine the role of this variant in disease. Therefore, it has been classified as a Variant of Uncertain Significance.

NM_014874.4(MFN2):c.1042T>C (p.Cys348Arg)

Gene: MFN2 (mitofusin 2; plus strand). Cytogenetic location: 1p36.22.
Variant type: single nucleotide variant.
Coding change: c.1042T>C on transcript NM_014874.4 (MANE Select); coding-DNA position 1042, T replaced by C.
Protein change: p.Cys348Arg; replaces cysteine 348 with arginine.
Molecular consequence: missense variant.
Genome position (GRCh38, 1-based): chr1:12,001,985, T>C. VCF-style: chr1-12001985-T-C. GRCh37 (hg19) VCF-style: chr1-12062042-T-C.
Other names: c.1042T>C, p.Cys348Arg (NM_001127660.2); short protein forms C348R.
Identifiers: ClinVar variation 971574 (VCV000971574.7), dbSNP rs1639195979, ClinGen allele CA338442596.